The following is an entry in ClinVar:

ClinVar aggregate classification (germline): Uncertain significance (1 of 4 stars; one submission).

Allele frequency attached by ClinVar (database versions not stated): gnomAD 0.00001; TOPMed 0.00001.
gnomAD v4.1: 5 of 1,613,586 alleles (0.00031%); highest among the groups gnomAD compares: African/African-American, 0.0053%; no homozygotes.

Submission:

Labcorp Genetics (formerly Invitae), Labcorp
Classification: Uncertain significance. Last evaluated: 2024-07-19. Review status: criteria provided, single submitter. Criteria: Invitae Variant Classification Sherloc (09022015). Collection method: clinical testing. Allele origin: germline.
Comment: This sequence change replaces serine, which is neutral and polar, with asparagine, which is neutral and polar, at codon 1532 of the USH2A protein (p.Ser1532Asn). This variant is not present in population databases (gnomAD no frequency). This variant has not been reported in the literature in individuals affected with USH2A-related conditions. ClinVar contains an entry for this variant (Variation ID: 1430953). Advanced modeling of protein sequence and biophysical properties (such as structural, functional, and spatial information, amino acid conservation, physicochemical variation, residue mobility, and thermodynamic stability) performed at Invitae indicates that this missense variant is not expected to disrupt USH2A protein function with a negative predictive value of 95%. In summary, the available evidence is currently insufficient to determine the role of this variant in disease. Therefore, it has been classified as a Variant of Uncertain Significance.

NM_206933.4(USH2A):c.4595G>A (p.Ser1532Asn)

Gene: USH2A (usherin; minus strand). Cytogenetic location: 1q41.
Variant type: single nucleotide variant.
Coding change: c.4595G>A on transcript NM_206933.4 (MANE Select); coding-DNA position 4595, G replaced by A.
Protein change: p.Ser1532Asn; replaces serine 1532 with asparagine.
Molecular consequence: missense variant.
Genome position (GRCh38, 1-based): chr1:216,175,284, C>T on the plus strand (G>A on the coding strand, the complement: USH2A is on the minus strand). VCF-style: chr1-216175284-C-T. GRCh37 (hg19) VCF-style: chr1-216348626-C-T.
Other names: c.4595G>A, p.Ser1532Asn (NM_007123.6); short protein forms S1532N.
Identifiers: ClinVar variation 1430953 (VCV001430953.6), dbSNP rs112269780, ClinGen allele CA37492700.